The following is an entry in ClinVar:

NM_017686.4(GDAP2):c.623C>G (p.Ser208Cys)

Gene: GDAP2 (ganglioside induced differentiation associated protein 2; minus strand). Cytogenetic location: 1p12.
Variant type: single nucleotide variant.
Coding change: c.623C>G on transcript NM_017686.4 (MANE Select); coding-DNA position 623, C replaced by G.
Protein change: p.Ser208Cys; replaces serine 208 with cysteine.
Molecular consequence: missense variant.
Genome position (GRCh38, 1-based): chr1:117,906,519, G>C on the plus strand (C>G on the coding strand, the complement: GDAP2 is on the minus strand). VCF-style: chr1-117906519-G-C. GRCh37 (hg19) VCF-style: chr1-118449141-G-C.
Other names: p.Ser208Cys; c.623C>G, p.Ser208Cys (NM_001135589.3); short protein forms S208C.
Identifiers: ClinVar variation 4541394 (VCV004541394.1).

ClinVar aggregate classification (germline): Uncertain significance (1 of 4 stars; one submission).

gnomAD v4.1: 12 of 1,552,540 alleles (0.00077%); highest among the groups gnomAD compares: East Asian, 0.0022%; no homozygotes.

Submission:

Mayo Clinic Laboratories, Mayo Clinic
Classification: Uncertain significance. Last evaluated: 2025-05-07. Review status: criteria provided, single submitter. Criteria: ACMG Guidelines, 2015. Collection method: clinical testing. Allele origin: germline. Observed: 1 variant allele.
Comment: BP4, PM2_supporting